The following is an entry in ClinVar:

ClinVar aggregate classification (germline): Uncertain significance (1 of 4 stars; one submission).

Conditions:
Hereditary cancer-predisposing syndrome. Also called: Neoplastic Syndromes, Hereditary; Tumor predisposition; Hereditary Cancer Syndrome; Hereditary neoplastic syndrome. Identifiers: Orphanet 140162, MedGen C0027672, MeSH D009386, MONDO:0015356.

Submission:

Ambry Genetics
Classification: Uncertain significance for Hereditary cancer-predisposing syndrome. Last evaluated: 2022-08-29. Review status: criteria provided, single submitter. Criteria: Ambry Variant Classification Scheme 2023. Collection method: clinical testing. Allele origin: germline.
Comment: The p.S566P variant (also known as c.1696T>C), located in coding exon 15 of the NF2 gene, results from a T to C substitution at nucleotide position 1696. The serine at codon 566 is replaced by proline, an amino acid with similar properties. This amino acid position is conserved. In addition, the in silico prediction for this alteration is inconclusive. Since supporting evidence is limited at this time, the clinical significance of this alteration remains unclear.

NM_000268.4(NF2):c.1696T>C (p.Ser566Pro)

Gene: NF2 (NF2, moesin-ezrin-radixin like (MERLIN) tumor suppressor; plus strand). Cytogenetic location: 22q12.2.
Variant type: single nucleotide variant.
Coding change: c.1696T>C on transcript NM_000268.4 (MANE Select); coding-DNA position 1696, T replaced by C.
Protein change: p.Ser566Pro; replaces serine 566 with proline.
Molecular consequence: missense variant. On other transcripts: non-coding transcript variant (1), intron variant (1).
Genome position (GRCh38, 1-based): chr22:29,681,560, T>C. VCF-style: chr22-29681560-T-C. GRCh37 (hg19) VCF-style: chr22-30077549-T-C.
Other names: c.1582T>C, p.Ser528Pro (NM_001407053.1, NM_001407056.1); c.1573T>C, p.Ser525Pro (NM_001407054.1, NM_001407058.1, NM_181829.3); c.1570T>C, p.Ser524Pro (NM_001407055.1, NM_181828.3); c.1561T>C, p.Ser521Pro (NM_001407057.1, NM_001407059.1); c.1438T>C, p.Ser480Pro (NM_001407062.1); c.1447T>C, p.Ser483Pro (NM_001407063.1, NM_181830.3, NM_181831.3); c.1162T>C, p.Ser388Pro (NM_001407065.1); c.1696T>C, p.Ser566Pro (NM_001407066.1, NM_016418.5, NM_181825.3 and 1 more transcripts); and 2 more; short protein forms S388P, S489P, S525P, S521P, S480P, S483P, S524P, S528P.
Identifiers: ClinVar variation 1778242 (VCV001778242.2), dbSNP rs2518735887, ClinGen allele CA411150386.
Genomic context (GRCh38, chr22:29,681,560, plus strand): 5'-ATCGAGGCCTTGAAACTGAAAGAGAGGGAGACAGCTCTGGATATTCTGCACAATGAGAAC[T>C]CCGACAGGGGTGGCAGCAGCAAGCACAATACCATTAAAAAGGTACCCAGGGTCTCTTTCT-3'
Protein context (NP_000259.1, residues 556-576): TALDILHNEN[Ser566Pro]DRGGSSKHNT